The following is an entry in ClinVar:

NM_001386393.1(PANK2):c.1071T>C (p.Ala357=)

Gene: PANK2 (pantothenate kinase 2; plus strand). Cytogenetic location: 20p13.
Variant type: single nucleotide variant.
Coding change: c.1071T>C on transcript NM_001386393.1 (MANE Select); coding-DNA position 1071, T replaced by C.
Protein change: p.Ala357=; no amino-acid change (alanine 357 retained).
Molecular consequence: synonymous variant. On other transcripts: non-coding transcript variant (1).
Genome position (GRCh38, 1-based): chr20:3,912,623, T>C. VCF-style: chr20-3912623-T-C. GRCh37 (hg19) VCF-style: chr20-3893270-T-C.
Other names: c.528T>C, p.Ala176= (NM_001324191.2, NM_024960.6, NM_153640.4); c.93T>C, p.Ala31= (NM_001324193.2); c.1401T>C, p.Ala467= (NM_153638.4).
Identifiers: ClinVar variation 2188080 (VCV002188080.5), dbSNP rs1187489573, ClinGen allele CA509423250.

ClinVar aggregate classification (germline): Likely benign. Review status: criteria provided, multiple submitters, no conflicts (2 of 4 stars). 2 submissions from 2 submitters: Likely benign (2). Last evaluated 2026-07-01.

Conditions:
Pigmentary pallidal degeneration (NBIA1). Also called: Neurodegeneration with brain iron accumulation 1; PKAN NEUROAXONAL DYSTROPHY, JUVENILE-ONSET; HARP SYNDROME; Pantothenate Kinase-Associated Neurodegeneration; Neuroaxonal dystrophy, late infantile; Hallervorden-Spatz disease. Identifiers: Orphanet 157850, MedGen C0018523, MONDO:0009319, OMIM 234200.

Allele frequency attached by ClinVar (database versions not stated): TOPMed below 0.00001; gnomAD exomes 0.00001.
gnomAD v4.1: 4 of 1,613,960 alleles (0.00025%); highest among the groups gnomAD compares: Admixed American, 0.0017%; no homozygotes.

Submissions (2):

CeGaT Center for Human Genetics Tuebingen
Classification: Likely benign. Last evaluated: 2026-07-01. Review status: criteria provided, single submitter. Criteria: CeGaT Center For Human Genetics Tuebingen Variant Classification Criteria Version 2. Collection method: clinical testing. Allele origin: germline. Affected: yes. Observed: 1 variant allele.
Comment: PANK2: BP4, BP7

Labcorp Genetics (formerly Invitae), Labcorp
Classification: Likely benign for Pigmentary pallidal degeneration. Last evaluated: 2025-08-21. Review status: criteria provided, single submitter. Criteria: Invitae Variant Classification Sherloc (09022015). Collection method: clinical testing. Allele origin: germline.